The following is an entry in ClinVar:

NM_000288.4(PEX7):c.45_52dup (p.His18fs)

Gene: PEX7 (peroxisomal biogenesis factor 7; plus strand). Cytogenetic location: 6q23.3.
Variant type: Duplication.
Coding change: c.45_52dup on transcript NM_000288.4 (MANE Select); coding-DNA positions 45 to 52, 8 bases duplicated (GGGACGCC; older notation c.45_52dupGGGACGCC).
Protein change: p.His18fs; shifts the reading frame from histidine 18.
Molecular consequence: frameshift variant.
Genome position (GRCh38, 1-based): chr6:136,822,710-136,822,717, GGGACGCC duplicated; duplicating any 8 consecutive bases within chr6:136,822,703-136,822,717 gives the same sequence; the c. name uses the placement nearest the transcript's 3' end. VCF-style (leftmost placement, unchanged base first): chr6-136822702-C-CGGACGCCG. GRCh37 (hg19) VCF-style: chr6-137143840-C-CGGACGCCG.
Other names: short protein forms H18fs.
Identifiers: ClinVar variation 7784 (VCV000007784.11), dbSNP rs63535662, ClinGen allele CA130256.

ClinVar aggregate classification (germline): Pathogenic. Review status: criteria provided, single submitter (1 of 4 stars). 3 submissions from 3 submitters: Pathogenic (1). 2 of the submissions do not count toward it. Last evaluated 2023-10-15.

Conditions:
Peroxisome biogenesis disorder 9B. Also called: Refsum disease, adult, 2; PEX7-Related Refsum Disease; PEROXISOME BIOGENESIS DISORDER, PEX7-RELATED, ATYPICAL. Identifiers: Orphanet 773, MedGen C2749346, MONDO:0013945, OMIM 614879.
Rhizomelic chondrodysplasia punctata type 1 (RCDP1). Also called: PEROXISOME BIOGENESIS DISORDER 9; CHONDRODYSTROPHIA CALCIFICANS PUNCTATA; PEX7-Related Rhizomelic Chondrodysplasia Punctata. Identifiers: Orphanet 177, Orphanet 309789, MedGen C1859133, MONDO:0008972, OMIM 215100. Disease mechanism: loss of function.

Submissions (3):

Labcorp Genetics (formerly Invitae), Labcorp
Classification: Pathogenic for Peroxisome biogenesis disorder 9B. Last evaluated: 2023-10-15. Review status: criteria provided, single submitter. Criteria: Invitae Variant Classification Sherloc (09022015). Collection method: clinical testing. Allele origin: germline.
Comment: This sequence change creates a premature translational stop signal (p.His18Argfs*35) in the PEX7 gene. It is expected to result in an absent or disrupted protein product. Loss-of-function variants in PEX7 are known to be pathogenic (PMID: 12325024, 12522768, 20301447). This variant is not present in population databases (gnomAD no frequency). This premature translational stop signal has been observed in individuals with rhizomelic chondrodysplasia punctata (PMID: 11781871). ClinVar contains an entry for this variant (Variation ID: 7784). For these reasons, this variant has been classified as Pathogenic.

OMIM
Classification: Pathogenic for PEROXISOME BIOGENESIS DISORDER 9B. Last evaluated: 2002-03-01. Review status: no assertion criteria provided. Collection method: literature only. Allele origin: germline. Not counted in ClinVar's aggregate classification.

GeneReviews
No classification provided. Condition: Rhizomelic chondrodysplasia punctata type 1. Review status: no classification provided. Collection method: literature only. Allele origin: unknown. Not counted in ClinVar's aggregate classification.

Literature cited by the submitters: PubMed 12325024 (cited by Labcorp Genetics (formerly Invitae), Labcorp); PubMed 12522768 (cited by Labcorp Genetics (formerly Invitae), Labcorp); PubMed 20301447 (cited by Labcorp Genetics (formerly Invitae), Labcorp and GeneReviews); PubMed 11781871 (cited by Labcorp Genetics (formerly Invitae), Labcorp and OMIM); NCBI Bookshelf NBK1270 (cited by GeneReviews).